The following is an entry in ClinVar:

ClinVar aggregate classification (germline): Likely benign (1 of 4 stars; one submission).

Conditions:
SNTG1-related disorder. Also called: SNTG1-related condition.

gnomAD v4.1: 1 of 1,591,262 alleles (0.000063%); highest among the groups gnomAD compares: Admixed American, 0.0017%; no homozygotes.

Submission:

PreventionGenetics, part of Exact Sciences
Classification: Likely benign for SNTG1-related condition. Last evaluated: 2026-01-21. Review status: criteria provided, single submitter. Criteria: ACMG Guidelines, 2015. Collection method: clinical testing. Allele origin: germline.
Comment: This variant is classified as likely benign based on ACMG/AMP sequence variant interpretation guidelines (Richards et al. 2015 PMID: 25741868, with internal and published modifications).

NM_018967.5(SNTG1):c.967-6T>G

Gene: SNTG1 (syntrophin gamma 1; plus strand). Cytogenetic location: 8q11.21.
Variant type: single nucleotide variant.
Coding change: c.967-6T>G on transcript NM_018967.5 (MANE Select); 6 bases into the intron before coding-DNA position 967, T replaced by G.
Molecular consequence: intron variant.
Genome position (GRCh38, 1-based): chr8:50,658,586, T>G. VCF-style: chr8-50658586-T-G. GRCh37 (hg19) VCF-style: chr8-51571146-T-G.
Other names: c.967-6T>G (NM_001287813.3, NM_001321775.2, NM_001321773.2 and 4 more transcripts).
Identifiers: ClinVar variation 4985422 (VCV004985422.1).